The following is an entry in ClinVar:

NM_130384.3(ATRIP):c.269T>C (p.Leu90Ser)

Genes: ATRIP (ATR interacting protein; plus strand), ATRIP-TREX1 (ATRIP-TREX1 readthrough; plus strand). Cytogenetic location: 3p21.31.
Variant type: single nucleotide variant.
Coding change: c.269T>C on transcript NM_130384.3 (MANE Select); coding-DNA position 269, T replaced by C.
Protein change: p.Leu90Ser; replaces leucine 90 with serine.
Molecular consequence: missense variant. On other transcripts: non-coding transcript variant (1), 5 prime UTR variant (2).
Genome position (GRCh38, 1-based): chr3:48,450,058, T>C. VCF-style: chr3-48450058-T-C. GRCh37 (hg19) VCF-style: chr3-48491464-T-C.
Other names: c.-196T>C (NM_001271022.2); c.-11T>C (NM_001271023.2); c.269T>C, p.Leu90Ser (NM_032166.4); short protein forms L90S.
Identifiers: ClinVar variation 4844927 (VCV004844927.1).
Genomic context (GRCh38, chr3:48,450,058, plus strand): 5'-TATTGGGTCCTGAAATGTATATGGAACTATTTTTTACAGGTGATCATAAGGTCCACAGAT[T>C]ATTAGATGGCATGTCAAAAAATCCTTCAGGGAAAAACAGAGAAACTGTTCCAATTAAAGA-3'
Protein context (NP_569055.1, residues 80-100): DVSSDHKVHR[Leu90Ser]LDGMSKNPSG

ClinVar aggregate classification (germline): Uncertain significance (1 of 4 stars; one submission).

Submission:

Ambry Genetics
Classification: Uncertain significance. Last evaluated: 2026-01-18. Review status: criteria provided, single submitter. Criteria: Ambry Variant Classification Scheme 2023. Collection method: clinical testing. Allele origin: germline.
Comment: The p.L90S variant (also known as c.269T>C), located in coding exon 2 of the ATRIP gene, results from a T to C substitution at nucleotide position 269. The leucine at codon 90 is replaced by serine, an amino acid with dissimilar properties. This amino acid position is conserved. In addition, this alteration is predicted to be tolerated by in silico analysis. Based on the available evidence, the clinical significance of this variant remains unclear.